The following is an entry in ClinVar:

ClinVar aggregate classification (germline): Uncertain significance. Review status: criteria provided, multiple submitters, no conflicts (2 of 4 stars). 2 submissions from 2 submitters: Uncertain significance (2). Last evaluated 2024-02-24.

Conditions:
Spermatogenic failure 18. Identifiers: MedGen C4539783, MONDO:0054615, OMIM 617576.
Ciliary dyskinesia, primary, 37 (CILD37). Also called: CILIARY DYSKINESIA, PRIMARY, 37, WITH OR WITHOUT SITUS INVERSUS. Identifiers: MedGen C4539798, MONDO:0033204, OMIM 617577.

Allele frequency attached by ClinVar (database versions not stated): gnomAD 0.00001; TOPMed 0.00002.
gnomAD v4.1: 8 of 1,612,906 alleles (0.0005%); highest among the groups gnomAD compares: African/African-American, 0.004%; no homozygotes.

Submissions (2):

Labcorp Genetics (formerly Invitae), Labcorp
Classification: Uncertain significance for Ciliary dyskinesia, primary, 37; Spermatogenic failure 18. Last evaluated: 2024-02-24. Review status: criteria provided, single submitter. Criteria: Invitae Variant Classification Sherloc (09022015). Collection method: clinical testing. Allele origin: germline.
Comment: This sequence change replaces alanine, which is neutral and non-polar, with threonine, which is neutral and polar, at codon 748 of the DNAH1 protein (p.Ala748Thr). This variant is not present in population databases (gnomAD no frequency). This variant has not been reported in the literature in individuals affected with DNAH1-related conditions. ClinVar contains an entry for this variant (Variation ID: 1506136). Advanced modeling of protein sequence and biophysical properties (such as structural, functional, and spatial information, amino acid conservation, physicochemical variation, residue mobility, and thermodynamic stability) has been performed at Invitae for this missense variant, however the output from this modeling did not meet the statistical confidence thresholds required to predict the impact of this variant on DNAH1 protein function. In summary, the available evidence is currently insufficient to determine the role of this variant in disease. Therefore, it has been classified as a Variant of Uncertain Significance.

Blueprint Genetics
Classification: Uncertain significance. Last evaluated: 2023-04-13. Review status: criteria provided, single submitter. Criteria: ACMG Guidelines, 2015. Collection method: clinical testing. Allele origin: germline.

NM_015512.5(DNAH1):c.2242G>A (p.Ala748Thr)

Gene: DNAH1 (dynein axonemal heavy chain 1; plus strand). Cytogenetic location: 3p21.1.
Variant type: single nucleotide variant.
Coding change: c.2242G>A on transcript NM_015512.5 (MANE Select); coding-DNA position 2242, G replaced by A.
Protein change: p.Ala748Thr; replaces alanine 748 with threonine.
Molecular consequence: missense variant.
Genome position (GRCh38, 1-based): chr3:52,349,023, G>A. VCF-style: chr3-52349023-G-A. GRCh37 (hg19) VCF-style: chr3-52383039-G-A.
Other names: short protein forms A748T.
Identifiers: ClinVar variation 1506136 (VCV001506136.9), dbSNP rs1360391376, ClinGen allele CA353099531.